The following is an entry in ClinVar:

ClinVar aggregate classification (germline): Uncertain significance. Review status: criteria provided, multiple submitters, no conflicts (2 of 4 stars). 2 submissions from 2 submitters: Uncertain significance (2). Last evaluated 2026-01-07.

Conditions:
Hereditary cancer-predisposing syndrome. Also called: Tumor predisposition; Hereditary Cancer Syndrome; Neoplastic Syndromes, Hereditary; Hereditary neoplastic syndrome. Identifiers: Orphanet 140162, MedGen C0027672, MeSH D009386, MONDO:0015356.

Submissions (2):

Ambry Genetics
Classification: Uncertain significance for Hereditary cancer-predisposing syndrome. Last evaluated: 2026-01-07. Review status: criteria provided, single submitter. Criteria: Ambry Variant Classification Scheme 2023. Collection method: clinical testing. Allele origin: germline.
Comment: The p.V464I variant (also known as c.1390G>A), located in coding exon 14 of the POLE gene, results from a G to A substitution at nucleotide position 1390. The valine at codon 464 is replaced by isoleucine, an amino acid with highly similar properties. This amino acid position is highly conserved in available vertebrate species. Based on the available evidence, the clinical significance of this variant remains unclear.

Labcorp Genetics (formerly Invitae), Labcorp
Classification: Uncertain significance. Last evaluated: 2024-04-22. Review status: criteria provided, single submitter. Criteria: Invitae Variant Classification Sherloc (09022015). Collection method: clinical testing. Allele origin: germline.
Comment: This sequence change replaces valine, which is neutral and non-polar, with isoleucine, which is neutral and non-polar, at codon 464 of the POLE protein (p.Val464Ile). This variant is not present in population databases (gnomAD no frequency). This variant has not been reported in the literature in individuals affected with POLE-related conditions. ClinVar contains an entry for this variant (Variation ID: 484452). Advanced modeling of protein sequence and biophysical properties (such as structural, functional, and spatial information, amino acid conservation, physicochemical variation, residue mobility, and thermodynamic stability) performed at Invitae indicates that this missense variant is expected to disrupt POLE protein function with a positive predictive value of 80%. In summary, the available evidence is currently insufficient to determine the role of this variant in disease. Therefore, it has been classified as a Variant of Uncertain Significance.

NM_006231.4(POLE):c.1390G>A (p.Val464Ile)

Gene: POLE (DNA polymerase epsilon, catalytic subunit; minus strand). Cytogenetic location: 12q24.33.
Variant type: single nucleotide variant.
Coding change: c.1390G>A on transcript NM_006231.4 (MANE Select); coding-DNA position 1390, G replaced by A.
Protein change: p.Val464Ile; replaces valine 464 with isoleucine.
Molecular consequence: missense variant.
Genome position (GRCh38, 1-based): chr12:132,673,247, C>T on the plus strand (G>A on the coding strand, the complement: POLE is on the minus strand). VCF-style: chr12-132673247-C-T. GRCh37 (hg19) VCF-style: chr12-133249833-C-T.
Other names: short protein forms V464I.
Identifiers: ClinVar variation 484452 (VCV000484452.12), dbSNP rs1555228496, ClinGen allele CA387358652.